The following is an entry in ClinVar:

NM_017646.6(TRIT1):c.334C>T (p.Arg112Ter)

Gene: TRIT1 (tRNA isopentenyltransferase 1; minus strand). Cytogenetic location: 1p34.2.
Variant type: single nucleotide variant.
Coding change: c.334C>T on transcript NM_017646.6 (MANE Select); coding-DNA position 334, C replaced by T.
Protein change: p.Arg112Ter; replaces arginine 112 with a stop codon.
Molecular consequence: nonsense. On other transcripts: intron variant (1).
Genome position (GRCh38, 1-based): chr1:39,854,050, G>A on the plus strand (C>T on the coding strand, the complement: TRIT1 is on the minus strand). VCF-style: chr1-39854050-G-A. GRCh37 (hg19) VCF-style: chr1-40319722-G-A.
Other names: c.334C>T, p.Arg112Ter (NM_001312691.2); c.175-1174C>T (NM_001312692.1); short protein forms R112*.
Identifiers: ClinVar variation 1327207 (VCV001327207.8), dbSNP rs756728965, ClinGen allele CA788129.
Genomic context (GRCh38, chr1:39,854,050, plus strand): 5'-TCCAGAGCAGAGATTCAATGTAATAATTGGTTCCTCCCACAACAATAGGAATTTTGTCTC[G>A]GGCAAATATATCTTCAATGTGAACATTAAGAAAGATATCACGATATCAAGAGAATCCTGA-3'

ClinVar aggregate classification (germline): Pathogenic/Likely pathogenic. Review status: criteria provided, multiple submitters, no conflicts (2 of 4 stars). 3 submissions from 3 submitters: Pathogenic (2); Likely pathogenic (1). Last evaluated 2026-10-23.

Conditions:
Combined oxidative phosphorylation deficiency 35 (COXPD35). Identifiers: MedGen C4693466, MONDO:0054742, OMIM 617873.

Allele frequency attached by ClinVar (database versions not stated): TOPMed below 0.00001; gnomAD 0.00001; ExAC 0.00004.
gnomAD v4.1: 31 of 1,606,652 alleles (0.0019%); highest among the groups gnomAD compares: Admixed American, 0.0068%; no homozygotes.

Submissions (3):

GeneDx
Classification: Pathogenic. Last evaluated: 2026-10-23. Review status: criteria provided, single submitter. Criteria: GeneDx Variant Classification Process June 2021. Collection method: clinical testing. Allele origin: germline.
Comment: Nonsense variant predicted to result in protein truncation or nonsense mediated decay in a gene for which loss of function is a known mechanism of disease; Not observed at significant frequency in large population cohorts (gnomAD); Has not been previously published as pathogenic or benign to our knowledge

Labcorp Genetics (formerly Invitae), Labcorp
Classification: Pathogenic. Last evaluated: 2022-07-05. Review status: criteria provided, single submitter. Criteria: Invitae Variant Classification Sherloc (09022015). Collection method: clinical testing. Allele origin: germline.
Comment: This sequence change creates a premature translational stop signal (p.Arg112*) in the TRIT1 gene. It is expected to result in an absent or disrupted protein product. Loss-of-function variants in TRIT1 are known to be pathogenic (PMID: 24901367, 28185376). This variant is present in population databases (rs756728965, gnomAD 0.007%). This variant has not been reported in the literature in individuals affected with TRIT1-related conditions. ClinVar contains an entry for this variant (Variation ID: 1327207). Algorithms developed to predict the effect of sequence changes on RNA splicing suggest that this variant may disrupt the consensus splice site. For these reasons, this variant has been classified as Pathogenic.

Juno Genomics, Hangzhou Juno Genomics, Inc
Classification: Likely pathogenic for Combined oxidative phosphorylation deficiency 35. Review status: criteria provided, single submitter. Criteria: ACMG Guidelines, 2015. Collection method: clinical testing. Allele origin: germline.
Comment: Null variant in a gene where loss of function (LOF) is a known mechanism of disease.;Absent from controls (or at extremely low frequency if recessive) in Genome Aggregation Database.

Literature cited by the submitters: PubMed 24901367 (cited by Labcorp Genetics (formerly Invitae), Labcorp); PubMed 28185376 (cited by Labcorp Genetics (formerly Invitae), Labcorp).